The following is an entry in ClinVar:

NM_030665.4(RAI1):c.858G>T (p.Gln286His)

Gene: RAI1 (retinoic acid induced 1; plus strand). Cytogenetic location: 17p11.2.
Variant type: single nucleotide variant.
Coding change: c.858G>T on transcript NM_030665.4 (MANE Select); coding-DNA position 858, G replaced by T.
Protein change: p.Gln286His; replaces glutamine 286 with histidine.
Molecular consequence: missense variant.
Genome position (GRCh38, 1-based): chr17:17,793,806, G>T. VCF-style: chr17-17793806-G-T. GRCh37 (hg19) VCF-style: chr17-17697120-G-T.
Other names: c.858G>T (NM_030665.3); short protein forms Q286H.
Identifiers: ClinVar variation 1514382 (VCV001514382.7), dbSNP rs770576612, ClinGen allele CA8418220.
Genomic context (GRCh38, chr17:17,793,806, plus strand): 5'-TCATGCCTACCAGTCGGGCCGCCTCAGCTATGACCAGCAGCAGCAGCAGCAGCAGCAGCA[G>T]CAGCAGCAGCAGCAAGCCCTTCAGAGCCGGCACCATGCCCAGGAAACCCTCCATTACCAA-3'
Protein context (NP_109590.3, residues 276-296): YDQQQQQQQQ[Gln286His]QQQQQALQSR

ClinVar aggregate classification (germline): Uncertain significance. Review status: criteria provided, multiple submitters, no conflicts (2 of 4 stars). 2 submissions from 2 submitters: Uncertain significance (2). Last evaluated 2026-02-10.

Conditions:
RAI1-related disorder. Also called: RAI1-related condition.

Allele frequency attached by ClinVar (database versions not stated): gnomAD exomes below 0.00001; ExAC 0.00001.
gnomAD v4.1: 1 of 1,610,770 alleles (0.000062%); highest among the groups gnomAD compares: Admixed American, 0.0017%; no homozygotes.

Submissions (2):

PreventionGenetics, part of Exact Sciences
Classification: Uncertain significance for RAI1-related condition. Last evaluated: 2026-02-10. Review status: criteria provided, single submitter. Criteria: ACMG Guidelines, 2015. Collection method: clinical testing. Allele origin: germline.
Comment: The RAI1 c.858G>T variant is predicted to result in the amino acid substitution p.Gln286His. To our knowledge, this variant has not been reported in the literature. This variant is reported in 0.0029% of alleles in individuals of Latino descent in gnomAD. At this time, the clinical significance of this variant is uncertain due to the absence of conclusive functional and genetic evidence.

Labcorp Genetics (formerly Invitae), Labcorp
Classification: Uncertain significance. Last evaluated: 2025-01-12. Review status: criteria provided, single submitter. Criteria: Invitae Variant Classification Sherloc (09022015). Collection method: clinical testing. Allele origin: germline.
Comment: This sequence change replaces glutamine, which is neutral and polar, with histidine, which is basic and polar, at codon 286 of the RAI1 protein (p.Gln286His). The frequency data for this variant in the population databases is considered unreliable, as metrics indicate poor data quality at this position in the gnomAD database. This variant has not been reported in the literature in individuals affected with RAI1-related conditions. ClinVar contains an entry for this variant (Variation ID: 1514382). Invitae Evidence Modeling of protein sequence and biophysical properties (such as structural, functional, and spatial information, amino acid conservation, physicochemical variation, residue mobility, and thermodynamic stability) has been performed for this missense variant. However, the output from this modeling did not meet the statistical confidence thresholds required to predict the impact of this variant on RAI1 protein function. In summary, the available evidence is currently insufficient to determine the role of this variant in disease. Therefore, it has been classified as a Variant of Uncertain Significance.